The following is an entry in ClinVar:

NM_000159.4(GCDH):c.272-2A>C

Gene: GCDH (glutaryl-CoA dehydrogenase; plus strand). Cytogenetic location: 19p13.13.
Variant type: single nucleotide variant.
Coding change: c.272-2A>C on transcript NM_000159.4 (MANE Select); the canonical splice acceptor site of the intron before coding-DNA position 272, A replaced by C.
Molecular consequence: splice acceptor variant.
Genome position (GRCh38, 1-based): chr19:12,892,114, A>C. VCF-style: chr19-12892114-A-C. GRCh37 (hg19) VCF-style: chr19-13002928-A-C.
Other names: c.272-2A>C (NM_013976.5).
Identifiers: ClinVar variation 553365 (VCV000553365.12), dbSNP rs1555749369, ClinGen allele CA404315694.
Genomic context (GRCh38, chr19:12,892,114, plus strand): 5'-TGGGGCTGGGGCTTCCTGTGGCCTAGGCCTGGGCCTGAATTTGGGCACTGGTCCCTTTGC[A>C]GTTTTTCATCGGGAGATCATTTCGGAGATGGGGGAGTTGGGTGTGCTGGGCCCCACCATC-3'

ClinVar aggregate classification (germline): Likely pathogenic. Review status: criteria provided, single submitter (1 of 4 stars). 2 submissions from 2 submitters: Likely pathogenic (1). 1 of the submissions does not count toward it. Last evaluated 2020-05-11.

Conditions:
Glutaric aciduria, type 1. Also called: GA I; Glutaricaciduria, type I; Glutaric Acidemia Type 1; Glutaricacidemia Type 1; Glutaryl-CoA dehydrogenase deficiency; Glutaric acidemia type I. Identifiers: Orphanet 25, MedGen C0268595, MONDO:0009281, OMIM 231670.

Allele frequency attached by ClinVar (database versions not stated): gnomAD exomes below 0.00001.
gnomAD v4.1: 2 of 1,614,092 alleles (0.00012%); highest among the groups gnomAD compares: Non-Finnish European, 0.00017%; no homozygotes.

Submissions (2):

Labcorp Genetics (formerly Invitae), Labcorp
Classification: Likely pathogenic for Glutaric aciduria, type 1. Last evaluated: 2020-05-11. Review status: criteria provided, single submitter. Criteria: Invitae Variant Classification Sherloc (09022015). Collection method: clinical testing. Allele origin: germline.
Comment: In summary, the currently available evidence indicates that the variant is pathogenic, but additional data are needed to prove that conclusively. Therefore, this variant has been classified as Likely Pathogenic. Donor and acceptor splice site variants typically lead to a loss of protein function (PMID: 16199547), and loss-of-function variants in GCDH are known to be pathogenic (PMID: 10699052, 11854167, 16602100). Algorithms developed to predict the effect of sequence changes on RNA splicing suggest that this variant may disrupt the consensus splice site, but this prediction has not been confirmed by published transcriptional studies. This variant has not been reported in the literature in individuals with GCDH-related conditions. ClinVar contains an entry for this variant (Variation ID: 553365). This variant is not present in population databases (ExAC no frequency). This sequence change affects an acceptor splice site in intron 4 of the GCDH gene. It is expected to disrupt RNA splicing and likely results in an absent or disrupted protein product.

Counsyl
Classification: Likely pathogenic for Glutaric aciduria, type 1. Last evaluated: 2017-08-16. Review status: no assertion criteria provided. Collection method: clinical testing. Allele origin: unknown. Not counted in ClinVar's aggregate classification.

Literature cited by the submitters: PubMed 16199547 (cited by Labcorp Genetics (formerly Invitae), Labcorp); PubMed 10699052 (cited by Labcorp Genetics (formerly Invitae), Labcorp); PubMed 11854167 (cited by Labcorp Genetics (formerly Invitae), Labcorp); PubMed 16602100 (cited by Labcorp Genetics (formerly Invitae), Labcorp).